The following continues an entry in ClinVar:

NM_000053.4(ATP7B):c.3182G>A (p.Gly1061Glu)

Gene: ATP7B. ClinVar aggregate classification (germline): Pathogenic. Pathogenic (22).

Submissions 10 to 21 of 23:

All of Us Research Program, National Institutes of Health
Classification: Pathogenic for Wilson disease. Last evaluated: 2024-04-25. Review status: criteria provided, single submitter. Criteria: ACMG Guidelines, 2015. Collection method: clinical testing. Allele origin: germline. Inheritance: Autosomal recessive inheritance. Observed: 1 variant allele, 1 heterozygote.
Comment: This missense variant replaces glycine with glutamic acid at codon 1061 of the ATP7B protein. Computational prediction suggests that this variant may have deleterious impact on protein structure and function (internally defined REVEL score threshold >= 0.7, PMID: 27666373). This variant occurs in the functionally important ATP nucleotide-binding (N) domain (a.a. 1032 - 1196) that mediates the generation of energy need to transport copper (PMID: 35245129). A functional study showed that the variant resulted in ATP7B retention in the endoplasmic reticulum, inhibition of copper transport, and lower ATP7B protein expression compared to wild-type (PMID: 32778786). This variant has been observed in many individuals affected with autosomal recessive Wilson disease (PMID: 11216666, 10544227, 15024742, 15523622, 15952988, 17264425, 17634212, 17823867, 19172127, 20517649, 20967755, 23518715, 24094725, 25982861, 27982432, 30120852, 31059521, 34002136, 35535059), including in the homozygous state with no evidence of consanguinity (PMID: 10502777, 15952988, 20517649, 23518715, 31059521) and in the compound heterozygous state with a second pathogenic ATP7B variant (PMID: 10544227, 15024742, 15952988, 17823867, 20967755, 23518715, 30120852, 34002136, 35535059). This variant has been identified in 12/249320 chromosomes in the general population by the Genome Aggregation Database (gnomAD). Based on the available evidence, this variant is classified as Pathogenic.

This study involves interpretation of variants in research participants for the purpose of population health screening. Participant phenotype was not available at the time of variant classification. Additional details can be found in publication PMID: 35346344, PMCID: PMC8962531

Fulgent Genetics
Classification: Pathogenic for Wilson disease. Last evaluated: 2024-04-01. Review status: criteria provided, single submitter. Criteria: ACMG Guidelines, 2015. Collection method: clinical testing. Allele origin: germline.

Baylor Genetics
Classification: Pathogenic for Wilson disease. Last evaluated: 2024-03-23. Review status: criteria provided, single submitter. Criteria: ACMG Guidelines, 2015. Collection method: clinical testing. Allele origin: unknown.

Revvity Omics, Revvity
Classification: Pathogenic for Wilson disease. Last evaluated: 2023-12-04. Review status: criteria provided, single submitter. Criteria: ACMG Guidelines, 2015. Collection method: clinical testing. Allele origin: germline.

3billion
Classification: Pathogenic for Wilson disease. Last evaluated: 2022-03-22. Review status: criteria provided, single submitter. Criteria: ACMG Guidelines, 2015. Collection method: clinical testing. Allele origin: germline. Affected: yes. Observed: 1 homozygote.
Comment: Same nucleotide change resulting in same amino acid change has been previously reported as pathogenic/likely pathogenic with strong evidence (ClinVar ID: VCV000312383, PMID:10502777). The variant has been reported to be in trans with a pathogenic variant as either compound heterozygous or homozygous in at least 2 similarly affected unrelated individuals(PMID: 10544227). Different pathogenic/likely pathogenic amino acid change has been reported with supporting evidence at the same codon (PMID:30655162). In silico tool predictions suggest damaging effect of the variant on gene or gene product (REVEL: 0.928>=0.6, 3CNET: 0.933>=0.75). It is observed at an extremely low frequency in the gnomAD v2.1.1 dataset (total allele frequency: 0.0000481). Therefore, this variant is classified as pathogenic according to the recommendation of ACMG/AMP guideline.

Genome-Nilou Lab
Classification: Pathogenic for Wilson disease. Last evaluated: 2021-08-10. Review status: criteria provided, single submitter. Criteria: ACMG Guidelines, 2015. Collection method: clinical testing. Allele origin: germline. Affected: no.

Foundation for Research in Genetics and Endocrinology, FRIGE's Institute of Human Genetics
Classification: Pathogenic for Wilson disease. Last evaluated: 2021-01-07. Review status: criteria provided, single submitter. Criteria: ACMG Guidelines, 2015. Collection method: clinical testing. Allele origin: germline. Inheritance: Autosomal recessive inheritance. Affected: yes. Observed: 1 variant allele, 1 compound heterozygote.
Comment: A heterozygous missense variation in exon 14 of the ATP7B gene that results in the amino acid substitution of Glutamic acid for Glycine at codon 1061 was detected. The observed variation c.3182G>A (p.Gly1061Glu) lies in the haloacid dehalogenase-like hydrolase domain of the ATP7B protein and has previously been reported in patients affected with Wilson disease [Roy et al. 2020]. The functional studies showed that this variation causes ATP7B retention in the endoplasmic reticulum, inhibits Cu-transport, and lowers ATP7B protein abundance [Roy et al. 2020]. The variant has not been reported in the 1000 genomes database and has a minor allele frequency of 0.005% in the gnomAD database. The in silico predictions of the variant is probably damaging by PolyPhen-2 (HumDiv) and damaging by SIFT, LRT, and MutationTaster2. The reference codon is conserved across species. In summary, the variant meets our criteria to be classified as pathogenic.

Laboratory for Molecular Medicine, Mass General Brigham Personalized Medicine
Classification: Pathogenic for Wilson disease. Last evaluated: 2020-06-11. Review status: criteria provided, single submitter. Criteria: ACMG Guidelines, 2015. Collection method: clinical testing. Allele origin: germline.
Comment: The p.Gly1061Glu variant has been reported in many individuals with Wilson disease, including at least 3 homozygotes and 7 compound heterozygotes (Curtis 1999, Guggilla 2015, Gupta 2007, Loudianos 1999, Margarit 2005, Santhosh 2006). This variant was identified in 0.03% (12/30602) of South Asian chromosomes by gnomAD, which is a low enough frequency to be consistent with a recessive allele. Computational prediction tools and conservation analyses suggest that this variant may impact the protein. In summary, this variant meets criteria to be classified as pathogenic for autosomal recessive Wilson disease. ACMG/AMP criteria applied: PM3_VeryStrong, PM2, PP4.

Ambry Genetics
Classification: Pathogenic for Inborn genetic diseases. Last evaluated: 2017-09-27. Review status: criteria provided, single submitter. Criteria: Ambry Variant Classification Scheme 2023. Collection method: clinical testing. Allele origin: germline.
Comment: The p.G1061E pathogenic mutation (also known as c.3182G>A), located in coding exon 14 of the ATP7B gene, results from a G to A substitution at nucleotide position 3182. The glycine at codon 1061 is replaced by glutamic acid, an amino acid with similar properties. This mutation is one of three common mutations often found in individuals with Wilson disease from South and East India, but has also been reported in affected individuals from other regions (Gupta A et al. Cell. Mol. Neurobiol., 2007 Dec;27:1023-33; Guggilla SR et al. Gene, 2015 Sep;569:83-7). This mutation has been identified in multiple homozygous and compound heterozygous individuals with Wilson disease (Curtis D et al. Hum. Mutat., 1999;14:304-11; Margarit E et al. Clin. Genet., 2005 Jul;68:61-8; Santhosh S et al. Indian J Gastroenterol, 2006;25:277-82; Gupta A et al. Cell. Mol. Neurobiol., 2007 Dec;27:1023-33; Mukherjee S et al. Parkinsonism Relat. Disord., 2014 Jan;20:75-81; Guggilla SR et al. Gene, 2015 Sep;569:83-7). Another study, in which authors modeled the structural effects of various mutations on the ATP7B gene, showed that this mutation site is sensitive to substitutions (Schushan M et al. Metallomics, 2012 Jul;4:669-78). Based on the supporting evidence, this alteration is interpreted as a disease-causing mutation.

Illumina Laboratory Services, Illumina
Classification: Pathogenic for Wilson disease. Last evaluated: 2017-04-27. Review status: criteria provided, single submitter. Criteria: ICSL Variant Classification Criteria 09 May 2019. Collection method: clinical testing. Allele origin: germline.
Comment: The ATP7B c.3182G>A (p.Gly1061Glu) missense variant has been well-documented as a pathogenic variant for Wilson disease in many different populations. Across a selection of available literature, the p.Gly1061Glu variant has been identified in a homozygous state in seven patients, in a compound heterozygous state in six patients, and in a heterozygous state in four patients in whom a second variant was not identified (Curtis et al. 1999; Loudianos et al. 1999; Margarit et al. 2005; Santhosh et al. 2006; Khan et al. 2012; Guggilla et al. 2015). Gupta et al. (2007) also found the p.Gly1061Glu variant on 11% of Wilson disease patient chromosomes in the Indian population. The p.Gly1061Glu variant was absent from 222 controls and is reported at a frequency of 0.00036 in the South Asian population of the Exome Aggregation Consortium. Based on the collective evidence, the p.Gly1061Glu variant is classified as pathogenic for Wilson disease. This variant was observed by ICSL as part of a predisposition screen in an ostensibly healthy population. This variant was observed by ICSL as part of a predisposition screen in an ostensibly healthy population.

ARUP Laboratories, Molecular Genetics and Genomics, ARUP Laboratories
Classification: Pathogenic. Last evaluated: 2017-01-12. Review status: criteria provided, single submitter. Criteria: ARUP Molecular Germline Variant Investigation Process. Collection method: clinical testing. Allele origin: germline.

CENTOGENE GmbH and LLC - Guiding Precision Medicine
Classification: Pathogenic for Wilson disease. Review status: criteria provided, single submitter. Criteria: ACMG Guidelines, 2015. Collection method: clinical testing. Allele origin: germline. Affected: yes.